The following is an entry in ClinVar:

ClinVar aggregate classification (germline): Uncertain significance (1 of 4 stars; one submission).

Conditions:
Familial adenomatous polyposis 1 (FAP1). Also called: FAMILIAL ADENOMATOUS POLYPOSIS 1, ATTENUATED; POLYPOSIS, ADENOMATOUS INTESTINAL. Identifiers: MedGen C2713442, MONDO:0021056, OMIM 175100. Disease mechanism: loss of function.

Allele frequency attached by ClinVar (database versions not stated): TOPMed 0.00001.
gnomAD v4.1: 1 of 1,613,390 alleles (0.000062%); highest among the groups gnomAD compares: African/African-American, 0.0013%; no homozygotes.

Submission:

Labcorp Genetics (formerly Invitae), Labcorp
Classification: Uncertain significance for Familial adenomatous polyposis 1. Last evaluated: 2024-04-10. Review status: criteria provided, single submitter. Criteria: Invitae Variant Classification Sherloc (09022015). Collection method: clinical testing. Allele origin: germline.
Comment: This sequence change replaces proline, which is neutral and non-polar, with leucine, which is neutral and non-polar, at codon 1925 of the APC protein (p.Pro1925Leu). This variant is not present in population databases (gnomAD no frequency). This variant has not been reported in the literature in individuals affected with APC-related conditions. ClinVar contains an entry for this variant (Variation ID: 847506). Advanced modeling of protein sequence and biophysical properties (such as structural, functional, and spatial information, amino acid conservation, physicochemical variation, residue mobility, and thermodynamic stability) performed at Invitae indicates that this missense variant is not expected to disrupt APC protein function with a negative predictive value of 95%. In summary, the available evidence is currently insufficient to determine the role of this variant in disease. Therefore, it has been classified as a Variant of Uncertain Significance.

NM_000038.6(APC):c.5774C>T (p.Pro1925Leu)

Gene: APC (APC regulator of Wnt signaling pathway; plus strand). Cytogenetic location: 5q22.2.
Variant type: single nucleotide variant.
Coding change: c.5774C>T on transcript NM_000038.6 (MANE Select); coding-DNA position 5774, C replaced by T.
Protein change: p.Pro1925Leu; replaces proline 1925 with leucine.
Molecular consequence: missense variant.
Genome position (GRCh38, 1-based): chr5:112,841,368, C>T. VCF-style: chr5-112841368-C-T. GRCh37 (hg19) VCF-style: chr5-112177065-C-T.
Other names: c.5774C>T, p.Pro1925Leu (NM_001127510.3, NM_001354895.2); c.5720C>T, p.Pro1907Leu (NM_001127511.3); c.5828C>T, p.Pro1943Leu (NM_001354896.2); c.5804C>T, p.Pro1935Leu (NM_001354897.2); c.5699C>T, p.Pro1900Leu (NM_001354898.2); c.5690C>T, p.Pro1897Leu (NM_001354899.2); c.5651C>T, p.Pro1884Leu (NM_001354900.2); c.5597C>T, p.Pro1866Leu (NM_001354901.2); and 5 more; short protein forms P1642L, P1799L, P1824L, P1884L, P1834L, P1866L, P1897L, P1900L.
Identifiers: ClinVar variation 847506 (VCV000847506.11), dbSNP rs762682111, ClinGen allele CA16033967.
Genomic context (GRCh38, chr5:112,841,368, plus strand): 5'-AATCAGCTAATAAGACACAAGCTATTGCAAAGCAGCCAATAAATCGAGGTCAGCCTAAAC[C>T]CATACTTCAGAAACAATCCACTTTTCCCCAGTCATCCAAAGACATACCAGACAGAGGGGC-3'
Protein context (NP_000029.2, residues 1915-1935): KQPINRGQPK[Pro1925Leu]ILQKQSTFPQ